The following is an entry in ClinVar:

ClinVar aggregate classification (germline): Uncertain significance (1 of 4 stars; one submission).

Conditions:
Muscular dystrophy-dystroglycanopathy (congenital with brain and eye anomalies), type a, 11 (MDDGA11). Also called: Congenital muscular dystrophy-dystroglycanopathy with brain and eye anomalies, type A11; WALKER-WARBURG SYNDROME OR MUSCLE-EYE-BRAIN DISEASE, B3GALNT2-RELATED; Muscular dystrophy-dystroglycanopathy (congenital with brain and eye anomalies, type A, 11. Identifiers: Orphanet 588, Orphanet 899, MedGen C3554638, MONDO:0014071, OMIM 615181.

Allele frequency attached by ClinVar (database versions not stated): TOPMed below 0.00001; gnomAD exomes 0.00001.
gnomAD v4.1: 22 of 1,614,176 alleles (0.0014%); highest among the groups gnomAD compares: African/African-American, 0.0027%; no homozygotes.

Submission:

Labcorp Genetics (formerly Invitae), Labcorp
Classification: Uncertain significance for Muscular dystrophy-dystroglycanopathy (congenital with brain and eye anomalies), type a, 11. Last evaluated: 2021-07-25. Review status: criteria provided, single submitter. Criteria: Invitae Variant Classification Sherloc (09022015). Collection method: clinical testing. Allele origin: germline.
Comment: In summary, the available evidence is currently insufficient to determine the role of this variant in disease. Therefore, it has been classified as a Variant of Uncertain Significance. Algorithms developed to predict the effect of missense changes on protein structure and function output the following: SIFT: "Tolerated"; PolyPhen-2: "Benign"; Align-GVGD: "Class C0". The glutamine amino acid residue is found in multiple mammalian species, which suggests that this missense change does not adversely affect protein function. This variant has not been reported in the literature in individuals affected with B3GALNT2-related conditions. This variant is not present in population databases (ExAC no frequency). This sequence change replaces arginine with glutamine at codon 143 of the B3GALNT2 protein (p.Arg143Gln). The arginine residue is weakly conserved and there is a small physicochemical difference between arginine and glutamine.

NM_152490.5(B3GALNT2):c.428G>A (p.Arg143Gln)

Gene: B3GALNT2 (beta-1,3-N-acetylgalactosaminyltransferase 2; minus strand). Cytogenetic location: 1q42.3.
Variant type: single nucleotide variant.
Coding change: c.428G>A on transcript NM_152490.5 (MANE Select); coding-DNA position 428, G replaced by A.
Protein change: p.Arg143Gln; replaces arginine 143 with glutamine.
Molecular consequence: missense variant.
Genome position (GRCh38, 1-based): chr1:235,484,449, C>T on the plus strand (G>A on the coding strand, the complement: B3GALNT2 is on the minus strand). VCF-style: chr1-235484449-C-T. GRCh37 (hg19) VCF-style: chr1-235647765-C-T.
Other names: c.551G>A, p.Arg184Gln (NM_001277155.3); short protein forms R184Q, R143Q.
Identifiers: ClinVar variation 1392430 (VCV001392430.8), dbSNP rs1256983608, ClinGen allele CA344925328.